The following is an entry in ClinVar:

ClinVar aggregate classification (germline): Uncertain significance (1 of 4 stars; one submission).

Allele frequency attached by ClinVar (database versions not stated): gnomAD exomes 0.00014; gnomAD 0.00001; TOPMed 0.00003.
gnomAD v4.1: 30 of 1,552,918 alleles (0.0019%); highest among the groups gnomAD compares: Admixed American, 0.051%; 1 homozygote.

Submission:

Labcorp Genetics (formerly Invitae), Labcorp
Classification: Uncertain significance. Last evaluated: 2023-03-09. Review status: criteria provided, single submitter. Criteria: Invitae Variant Classification Sherloc (09022015). Collection method: clinical testing. Allele origin: germline.
Comment: In summary, the available evidence is currently insufficient to determine the role of this variant in disease. Therefore, it has been classified as a Variant of Uncertain Significance. Algorithms developed to predict the effect of missense changes on protein structure and function output the following: SIFT: "Not Available"; PolyPhen-2: "Benign"; Align-GVGD: "Not Available". The phenylalanine amino acid residue is found in multiple mammalian species, which suggests that this missense change does not adversely affect protein function. ClinVar contains an entry for this variant (Variation ID: 1055598). This variant has not been reported in the literature in individuals affected with SAMD11-related conditions. This variant is present in population databases (rs771428400, gnomAD 0.08%). This sequence change replaces leucine, which is neutral and non-polar, with phenylalanine, which is neutral and non-polar, at codon 455 of the SAMD11 protein (p.Leu455Phe).

NM_001385641.1(SAMD11):c.1852C>T (p.Leu618Phe)

Gene: SAMD11 (sterile alpha motif domain containing 11; plus strand). Cytogenetic location: 1p36.33.
Variant type: single nucleotide variant.
Coding change: c.1852C>T on transcript NM_001385641.1 (MANE Select); coding-DNA position 1852, C replaced by T.
Protein change: p.Leu618Phe; replaces leucine 618 with phenylalanine.
Molecular consequence: missense variant.
Genome position (GRCh38, 1-based): chr1:942,857, C>T. VCF-style: chr1-942857-C-T. GRCh37 (hg19) VCF-style: chr1-878237-C-T.
Other names: c.1855C>T, p.Leu619Phe (NM_001385640.1); c.1363C>T, p.Leu455Phe (NM_152486.4); short protein forms L455F, L618F, L619F.
Identifiers: ClinVar variation 1055598 (VCV001055598.5), dbSNP rs771428400, ClinGen allele CA503002.
Genomic context (GRCh38, chr1:942,857, plus strand): 5'-GGGGGTCCCGGCCCTGCCTCAGCGCGGCCCAGCGAGTCCAAGGAGATGACGGGGGCTAGG[C>T]TCTGGGCACAAGATGGCTCGGAAGACGAGCCCCCCAAAGACTCGGACGGAGAGGACCCCG-3'
Protein context (NP_001372570.1, residues 608-628): SESKEMTGAR[Leu618Phe]WAQDGSEDEP